The following is an entry in ClinVar:

ClinVar aggregate classification (germline): Uncertain significance. Review status: criteria provided, single submitter (1 of 4 stars). 2 submissions from 2 submitters: Uncertain significance (1). 1 of the submissions does not count toward it. Last evaluated 2022-09-13.

Conditions:
CFAP418-related disorder. Also called: CFAP418-related condition.

Allele frequency attached by ClinVar (database versions not stated): gnomAD exomes 0.00001; ExAC 0.00001.

Submissions (2):

Labcorp Genetics (formerly Invitae), Labcorp
Classification: Uncertain significance. Last evaluated: 2022-09-13. Review status: criteria provided, single submitter. Criteria: Invitae Variant Classification Sherloc (09022015). Collection method: clinical testing. Allele origin: germline.
Comment: This sequence change replaces arginine, which is basic and polar, with cysteine, which is neutral and slightly polar, at codon 131 of the C8orf37 protein (p.Arg131Cys). This variant is present in population databases (rs752701566, gnomAD 0.002%). This variant has not been reported in the literature in individuals affected with C8orf37-related conditions. ClinVar contains an entry for this variant (Variation ID: 1681124). Algorithms developed to predict the effect of missense changes on protein structure and function are either unavailable or do not agree on the potential impact of this missense change (SIFT: "Deleterious"; PolyPhen-2: "Probably Damaging"; Align-GVGD: "Class C0"). Algorithms developed to predict the effect of sequence changes on RNA splicing suggest that this variant may disrupt the consensus splice site. In summary, the available evidence is currently insufficient to determine the role of this variant in disease. Therefore, it has been classified as a Variant of Uncertain Significance.

PreventionGenetics, part of Exact Sciences
Classification: Uncertain significance for CFAP418-related condition. Last evaluated: 2024-05-06. Review status: no assertion criteria provided. Collection method: clinical testing. Allele origin: germline. Not counted in ClinVar's aggregate classification.
Comment: The CFAP418 c.391C>T variant is predicted to result in the amino acid substitution p.Arg131Cys. To our knowledge, this variant has not been reported in the literature. This variant is reported in 0.0018% of alleles in individuals of European (Non-Finnish) descent in gnomAD. At this time, the clinical significance of this variant is uncertain due to the absence of conclusive functional and genetic evidence.

NM_177965.4(CFAP418):c.391C>T (p.Arg131Cys)

Gene: CFAP418 (cilia and flagella associated protein 418; minus strand). Cytogenetic location: 8q22.1.
Variant type: single nucleotide variant.
Coding change: c.391C>T on transcript NM_177965.4 (MANE Select); coding-DNA position 391, C replaced by T.
Protein change: p.Arg131Cys; replaces arginine 131 with cysteine.
Molecular consequence: missense variant. On other transcripts: intron variant (1).
Genome position (GRCh38, 1-based): chr8:95,252,267, G>A on the plus strand (C>T on the coding strand, the complement: CFAP418 is on the minus strand). VCF-style: chr8-95252267-G-A. GRCh37 (hg19) VCF-style: chr8-96264495-G-A.
Other names: c.375-4497C>T (NM_001363260.1); c.391C>T (NM_177965.3); short protein forms R131C.
Identifiers: ClinVar variation 1681124 (VCV001681124.4), dbSNP rs752701566, ClinGen allele CA4815149.
Genomic context (GRCh38, chr8:95,252,267, plus strand): 5'-ACGATTTGTCCCACATATAGTCATCATAGCTGACTACCAAGAAATCACAGGCTATACAAC[G>A]CAGATGGTCACATGCTCTGTTCAGAGAAAAAAAATTGTATATTAAAGATTATTGGTATCT-3'
Protein context (NP_808880.1, residues 121-141): NISWRACDHL[Arg131Cys]CIACDFLVVS